The following is an entry in ClinVar:

ClinVar aggregate classification (germline): Uncertain significance (1 of 4 stars; one submission).

Conditions:
Dilated cardiomyopathy 1O (CMD1O). Also called: CARDIOMYOPATHY, DILATED, WITH VENTRICULAR TACHYCARDIA. Identifiers: Orphanet 154, MedGen C1837839, MONDO:0012062, OMIM 608569.

Submission:

Labcorp Genetics (formerly Invitae), Labcorp
Classification: Uncertain significance for Dilated cardiomyopathy 1O. Last evaluated: 2023-12-01. Review status: criteria provided, single submitter. Criteria: Invitae Variant Classification Sherloc (09022015). Collection method: clinical testing. Allele origin: germline.
Comment: This sequence change replaces arginine, which is basic and polar, with threonine, which is neutral and polar, at codon 397 of the ABCC9 protein (p.Arg397Thr). This variant is not present in population databases (gnomAD no frequency). This variant has not been reported in the literature in individuals affected with ABCC9-related conditions. Advanced modeling of protein sequence and biophysical properties (such as structural, functional, and spatial information, amino acid conservation, physicochemical variation, residue mobility, and thermodynamic stability) performed at Invitae indicates that this missense variant is expected to disrupt ABCC9 protein function with a positive predictive value of 80%. In summary, the available evidence is currently insufficient to determine the role of this variant in disease. Therefore, it has been classified as a Variant of Uncertain Significance.

NM_020297.4(ABCC9):c.1190G>C (p.Arg397Thr)

Gene: ABCC9 (ATP binding cassette subfamily C member 9; minus strand). Cytogenetic location: 12p12.1.
Variant type: single nucleotide variant.
Coding change: c.1190G>C on transcript NM_020297.4 (MANE Select); coding-DNA position 1190, G replaced by C.
Protein change: p.Arg397Thr; replaces arginine 397 with threonine.
Molecular consequence: missense variant.
Genome position (GRCh38, 1-based): chr12:21,910,287, C>G on the plus strand (G>C on the coding strand, the complement: ABCC9 is on the minus strand). VCF-style: chr12-21910287-C-G. GRCh37 (hg19) VCF-style: chr12-22063221-C-G.
Other names: c.1190G>C, p.Arg397Thr (NM_001377273.1, NM_005691.4); c.326G>C, p.Arg109Thr (NM_001377274.1); short protein forms R109T, R397T.
Identifiers: ClinVar variation 2700279 (VCV002700279.3), dbSNP rs2541668480, ClinGen allele CA384118912.